The following is an entry in ClinVar:

ClinVar aggregate classification (germline): Uncertain significance (1 of 4 stars; one submission).

Conditions:
Inborn genetic diseases. Identifiers: MedGen C0950123, MeSH D030342.

Submission:

Ambry Genetics
Classification: Uncertain significance for Inborn genetic diseases. Last evaluated: 2025-02-03. Review status: criteria provided, single submitter. Criteria: Ambry Variant Classification Scheme 2023. Collection method: clinical testing. Allele origin: germline.
Comment: The p.P169S variant (also known as c.505C>T), located in coding exon 4 of the G6PC3 gene, results from a C to T substitution at nucleotide position 505. The proline at codon 169 is replaced by serine, an amino acid with similar properties. This amino acid position is conserved. In addition, this alteration is predicted to be deleterious by in silico analysis. Based on the available evidence, the clinical significance of this variant remains unclear.

NM_138387.4(G6PC3):c.505C>T (p.Pro169Ser)

Gene: G6PC3 (glucose-6-phosphatase catalytic subunit 3; plus strand). Cytogenetic location: 17q21.31.
Variant type: single nucleotide variant.
Coding change: c.505C>T on transcript NM_138387.4 (MANE Select); coding-DNA position 505, C replaced by T.
Protein change: p.Pro169Ser; replaces proline 169 with serine.
Molecular consequence: missense variant. On other transcripts: intron variant (1).
Genome position (GRCh38, 1-based): chr17:44,075,057, C>T. VCF-style: chr17-44075057-C-T. GRCh37 (hg19) VCF-style: chr17-42152425-C-T.
Other names: c.160C>T, p.Pro54Ser (NM_001384165.1, NM_001384166.1, NM_001384167.1 and 1 more transcripts); c.417-253C>T (NM_001319945.2); short protein forms P54S, P169S.
Identifiers: ClinVar variation 3852359 (VCV003852359.1).